The following is an entry in ClinVar:

NM_022836.4(DCLRE1B):c.355+74_355+75del

Gene: DCLRE1B (DNA cross-link repair 1B; plus strand). Cytogenetic location: 1p13.2.
Variant type: Deletion.
Coding change: c.355+74_355+75del on transcript NM_022836.4 (MANE Select); bases 74 to 75 of the intron after coding-DNA position 355, 2 bases deleted (AA; older notation c.355+74_355+75delAA).
Molecular consequence: intron variant.
Genome position (GRCh38, 1-based): chr1:113,907,235-113,907,236, AA deleted. VCF-style (leftmost placement, unchanged base first): chr1-113907234-TAA-T. GRCh37 (hg19) VCF-style: chr1-114449856-TAA-T.
Other names: c.-23-774_-23-773del (NM_001319947.2, NM_001319946.2, NM_001363691.2); c.355+74_355+75del (NM_001363690.2).
Identifiers: ClinVar variation 4795400 (VCV004795400.1).

ClinVar aggregate classification (germline): Likely benign (1 of 4 stars; one submission).

Submission:

GeneDx
Classification: Likely benign. Last evaluated: 2018-07-09. Review status: criteria provided, single submitter. Criteria: GeneDx Variant Classification Process June 2021. Collection method: clinical testing. Allele origin: germline. Affected: yes.
Comment: See Variant Classification Assertion Criteria.